The following is an entry in ClinVar:

ClinVar aggregate classification (germline): Likely benign (1 of 4 stars; one submission).

Allele frequency attached by ClinVar (database versions not stated): ESP Exome Variant Server 0.00008; gnomAD 0.00011; TOPMed 0.00011; gnomAD exomes 0.00016; ExAC 0.00029; 1000 Genomes Project 30x 0.00078; 1000 Genomes Project 0.00080.
gnomAD v4.1: 263 of 1,606,826 alleles (0.016%); highest among the groups gnomAD compares: East Asian, 0.46%; 1 homozygote.

Submission:

CeGaT Center for Human Genetics Tuebingen
Classification: Likely benign. Last evaluated: 2023-09-01. Review status: criteria provided, single submitter. Criteria: CeGaT Center For Human Genetics Tuebingen Variant Classification Criteria Version 2. Collection method: clinical testing. Allele origin: germline. Affected: yes. Observed: 1 variant allele.
Comment: ATG2A: BP4

NM_015104.3(ATG2A):c.4465-4A>G

Gene: ATG2A (autophagy related 2A; minus strand). Cytogenetic location: 11q13.1.
Variant type: single nucleotide variant.
Coding change: c.4465-4A>G on transcript NM_015104.3 (MANE Select); 4 bases into the intron before coding-DNA position 4465, A replaced by G.
Molecular consequence: intron variant.
Genome position (GRCh38, 1-based): chr11:64,898,846, T>C on the plus strand (A>G on the coding strand, the complement: ATG2A is on the minus strand). VCF-style: chr11-64898846-T-C. GRCh37 (hg19) VCF-style: chr11-64666318-T-C.
Other names: c.4441-4A>G (NM_001367971.1); c.4447-4A>G (NM_001367972.1).
Identifiers: ClinVar variation 2641937 (VCV002641937.24), dbSNP rs145407425, ClinGen allele CA6085148.